The following is an entry in ClinVar:

ClinVar aggregate classification (germline): Likely pathogenic (0 of 4 stars; one submission).

Conditions:
ANKRD11-related disorder. Also called: ANKRD11-related condition.

Submission:

PreventionGenetics, part of Exact Sciences
Classification: Likely pathogenic for ANKRD11-related condition. Last evaluated: 2024-05-13. Review status: no assertion criteria provided. Collection method: clinical testing. Allele origin: germline.
Comment: The ANKRD11 c.875delG variant is predicted to result in a frameshift and premature protein termination (p.Ser292Thrfs*76). To our knowledge, this variant has not been reported in the literature or in a large population database, indicating this variant is rare. Frameshift variants in ANKRD11 are expected to be pathogenic. This variant is interpreted as likely pathogenic.

NM_013275.6(ANKRD11):c.875del (p.Ser292fs)

Gene: ANKRD11 (ankyrin repeat domain containing 11; minus strand). Cytogenetic location: 16q24.3.
Variant type: Deletion.
Coding change: c.875del on transcript NM_013275.6 (MANE Select); coding-DNA position 875, one base deleted (G; older notation c.875delG).
Protein change: p.Ser292fs; shifts the reading frame from serine 292.
Molecular consequence: frameshift variant.
Genome position (GRCh38, 1-based): chr16:89,286,056, C deleted on the plus strand (G on the coding strand, the reverse complement: ANKRD11 is on the minus strand). VCF-style (leftmost placement, unchanged base first): chr16-89286055-GC-G. GRCh37 (hg19) VCF-style: chr16-89352463-GC-G.
Other names: c.875del, p.Ser292fs (NM_001256182.2, NM_001256183.2); short protein forms S292fs.
Identifiers: ClinVar variation 3345988 (VCV003345988.1).
Genomic context (GRCh38, chr16:89,286,055, plus strand): 5'-ATCCCTGCATAAAAGAACAGGCAGCTCAGGTGGCCGTGACTTACCCGTCGAGCTCTCCTC[GC>G]TGGAAGTGTAAGTGCCTTTGCCTAACAGGAGGTTCACCATCGTGGGGGAGTTGGCCACTT-3'